The following is an entry in ClinVar:

NM_030787.4(CFHR5):c.254-8T>G

Gene: CFHR5 (complement factor H related 5; plus strand). Cytogenetic location: 1q31.3.
Variant type: single nucleotide variant.
Coding change: c.254-8T>G on transcript NM_030787.4 (MANE Select); 8 bases into the intron before coding-DNA position 254, T replaced by G.
Molecular consequence: intron variant.
Genome position (GRCh38, 1-based): chr1:196,983,953, T>G. VCF-style: chr1-196983953-T-G. GRCh37 (hg19) VCF-style: chr1-196953083-T-G.
Other names: p.?.
Identifiers: ClinVar variation 294535 (VCV000294535.18), dbSNP rs114023763, ClinGen allele CA1307683.

ClinVar aggregate classification (germline): Benign/Likely benign. Review status: criteria provided, multiple submitters, no conflicts (2 of 4 stars). 7 submissions from 7 submitters: Benign (6); Likely benign (1). Last evaluated 2026-01-22.

Conditions:
CFH-Related Dense Deposit Disease / Membranoproliferative Glomerulonephritis Type II. Identifiers: MedGen CN071292.
CFHR5 deficiency. Identifiers: MedGen C3553720.

Allele frequency attached by ClinVar (database versions not stated): gnomAD exomes 0.00184 and 0.00432; ExAC 0.00486; gnomAD 0.01359 and 0.01451; 1000 Genomes Project 0.01438; 1000 Genomes Project 30x 0.01452; TOPMed 0.01568; ESP Exome Variant Server 0.01730.
gnomAD v4.1: 4,889 of 1,602,342 alleles (0.31%); highest among the groups gnomAD compares: African/African-American, 4.5%; 76 homozygotes.

Submissions (7):

Labcorp Genetics (formerly Invitae), Labcorp
Classification: Benign. Last evaluated: 2026-01-22. Review status: criteria provided, single submitter. Criteria: Invitae Variant Classification Sherloc (09022015). Collection method: clinical testing. Allele origin: germline.

Women's Health and Genetics/Laboratory Corporation of America, LabCorp
Classification: Benign. Last evaluated: 2026-01-22. Review status: criteria provided, single submitter. Criteria: LabCorp Variant Classification Summary - May 2015. Collection method: clinical testing. Allele origin: germline.

Genome-Nilou Lab
Classification: Benign for C3 glomerulonephritis. Last evaluated: 2023-04-11. Review status: criteria provided, single submitter. Criteria: ACMG Guidelines, 2015. Collection method: clinical testing. Allele origin: germline. Affected: no.

Mayo Clinic Laboratories, Mayo Clinic
Classification: Benign. Last evaluated: 2022-09-22. Review status: criteria provided, single submitter. Criteria: ACMG Guidelines, 2015. Collection method: clinical testing. Allele origin: germline. Observed: 86 variant alleles.
Comment: BA1

Fulgent Genetics
Classification: Likely benign for C3 glomerulonephritis. Last evaluated: 2021-09-29. Review status: criteria provided, single submitter. Criteria: ACMG Guidelines, 2015. Collection method: clinical testing. Allele origin: unknown.

Illumina Laboratory Services, Illumina
Classification: Benign for Membranoproliferative glomerulonephritis with complement factor h deficiency. Last evaluated: 2018-01-13. Review status: criteria provided, single submitter. Criteria: ICSL Variant Classification Criteria 13 December 2019. Collection method: clinical testing. Allele origin: germline.
Comment: This variant was observed in the ICSL laboratory as part of a predisposition screen in an ostensibly healthy population. It had not been previously curated by ICSL or reported in the Human Gene Mutation Database (HGMD: prior to June 1st, 2018), and was therefore a candidate for classification through an automated scoring system. Utilizing variant allele frequency, disease prevalence and penetrance estimates, and inheritance mode, an automated score was calculated to assess if this variant is too frequent to cause the disease. Based on the score and internal cut-off values, a variant classified as benign is not then subjected to further curation. The score for this variant resulted in a classification of benign for this disease.

Breakthrough Genomics
Classification: Benign. Review status: criteria provided, single submitter. Criteria: ACMG Guidelines, 2015. Collection method: not provided. Allele origin: germline. Inheritance: Autosomal dominant inheritance. Affected: yes.